The following is an entry in ClinVar:

ClinVar aggregate classification (germline): Likely benign. Review status: criteria provided, multiple submitters, no conflicts (2 of 4 stars). 2 submissions from 2 submitters: Likely benign (2). Last evaluated 2018-06-14.

Allele frequency attached by ClinVar (database versions not stated): gnomAD exomes 0.00209; 1000 Genomes Project 0.00499; 1000 Genomes Project 30x 0.00578; gnomAD 0.00607 and 0.00640; TOPMed 0.00667.
gnomAD v4.1: 3,175 of 1,227,844 alleles (0.26%); highest among the groups gnomAD compares: African/African-American, 1.8%; 15 homozygotes.

Submissions (2):

GeneDx
Classification: Likely benign. Last evaluated: 2018-06-14. Review status: criteria provided, single submitter. Criteria: GeneDx Variant Classification (06012015). Collection method: clinical testing. Allele origin: germline. Affected: yes.
Comment: This variant is considered likely benign or benign based on one or more of the following criteria: it is a conservative change, it occurs at a poorly conserved position in the protein, it is predicted to be benign by multiple in silico algorithms, and/or has population frequency not consistent with disease.

Breakthrough Genomics
Classification: Likely benign. Review status: criteria provided, single submitter. Criteria: ACMG Guidelines, 2015. Collection method: not provided. Allele origin: germline. Inheritance: Autosomal recessive inheritance. Affected: yes.

NM_001330078.2(NRXN1):c.1320+85C>T

Gene: NRXN1 (neurexin 1; minus strand). Cytogenetic location: 2p16.3.
Variant type: single nucleotide variant.
Coding change: c.1320+85C>T on transcript NM_001330078.2 (MANE Select); 85 bases into the intron after coding-DNA position 1320, C replaced by T.
Molecular consequence: intron variant.
Genome position (GRCh38, 1-based): chr2:50,619,937, G>A on the plus strand (C>T on the coding strand, the complement: NRXN1 is on the minus strand). VCF-style: chr2-50619937-G-A. GRCh37 (hg19) VCF-style: chr2-50847075-G-A.
Other names: c.1236+85C>T (NM_001330096.2, NM_001330087.2); c.1281+85C>T (NM_001330083.2, NM_001330084.2); c.1266+85C>T (NM_001330088.2); c.1317+85C>T (NM_001330093.2); c.1308+85C>T (NM_001330094.2); c.1296+85C>T (NM_001330095.2, NM_001330082.2, NM_001330077.2); c.1320+85C>T (NM_001330085.2, NM_004801.6, NM_001330086.2); c.1440+85C>T (NM_001135659.3).
Identifiers: ClinVar variation 673880 (VCV000673880.2), dbSNP rs186874890, ClinGen allele CA47954275.